The following is an entry in ClinVar:

NM_001330078.2(NRXN1):c.3182G>A (p.Arg1061Gln)

Gene: NRXN1 (neurexin 1; minus strand). Cytogenetic location: 2p16.3.
Variant type: single nucleotide variant.
Coding change: c.3182G>A on transcript NM_001330078.2 (MANE Select); coding-DNA position 3182, G replaced by A.
Protein change: p.Arg1061Gln; replaces arginine 1061 with glutamine.
Molecular consequence: missense variant.
Genome position (GRCh38, 1-based): chr2:50,472,360, C>T on the plus strand (G>A on the coding strand, the complement: NRXN1 is on the minus strand). VCF-style: chr2-50472360-C-T. GRCh37 (hg19) VCF-style: chr2-50699498-C-T.
Other names: c.3071G>A, p.Arg1024Gln (NM_001330087.2, NM_001330096.2); c.3101G>A, p.Arg1034Gln (NM_001330088.2); c.3179G>A, p.Arg1060Gln (NM_001330093.2); c.3170G>A, p.Arg1057Gln (NM_001330094.2); c.3131G>A, p.Arg1044Gln (NM_001330095.2); c.3182G>A, p.Arg1061Gln (NM_004801.6, NM_001330086.2); c.3302G>A, p.Arg1101Gln (NM_001135659.3); c.3158G>A, p.Arg1053Gln (NM_001330077.2, NM_001330082.2); and 2 more; short protein forms R1024Q, R1039Q, R1052Q, R1060Q, R1061Q, R1034Q, R1053Q, R1057Q.
Identifiers: ClinVar variation 5025865 (VCV005025865.1).

ClinVar aggregate classification (germline): Uncertain significance (1 of 4 stars; one submission).

Conditions:
Inborn genetic diseases. Identifiers: MedGen C0950123, MeSH D030342.

gnomAD v4.1: 4 of 1,611,912 alleles (0.00025%); highest among the groups gnomAD compares: Non-Finnish European, 0.00034%; no homozygotes.

Submission:

Ambry Genetics
Classification: Uncertain significance for Inborn genetic diseases. Last evaluated: 2026-06-17. Review status: criteria provided, single submitter. Criteria: Ambry Variant Classification Scheme 2023. Collection method: clinical testing. Allele origin: germline.
Comment: The c.3302G>A (p.R1101Q) alteration is located in exon 17 (coding exon 16) of the NRXN1 gene. This alteration results from a G to A substitution at nucleotide position 3302, causing the arginine (R) at amino acid position 1101 to be replaced by a glutamine (Q). Based on data from gnomAD, the A allele has an overall frequency of <0.001% (1/248146) total alleles studied. The highest observed frequency was 0.001% (1/112536) of European (non-Finnish) alleles. Based on insufficient or conflicting evidence, the clinical significance of this alteration remains unclear.